The following is an entry in ClinVar:

NM_016648.4(LARP7):c.475_478dup (p.Lys160delinsIleTer)

Genes: MIR302CHG (miR-302/367 cluster host gene; minus strand), LARP7 (La ribonucleoprotein 7, transcriptional regulator; plus strand). Cytogenetic location: 4q25.
Variant type: Microsatellite.
Coding change: c.475_478dup on transcript NM_016648.4 (MANE Select); coding-DNA positions 475 to 478, 4 bases duplicated (TATA; older notation c.475_478dupTATA).
Protein change: p.Lys160delinsIleTer.
Molecular consequence: nonsense. On other transcripts: non-coding transcript variant (3).
Genome position (GRCh38, 1-based): chr4:112,646,878-112,646,881, TATA duplicated. VCF-style (leftmost placement, unchanged base first): chr4-112646877-T-TTATA. GRCh37 (hg19) VCF-style: chr4-113568033-T-TTATA.
Other names: c.475_478dup, p.Lys160delinsIleTer (NM_001267039.4, NM_001370974.1, NM_001370975.1 and 6 more transcripts); c.238_241dup, p.Lys81delinsIleTer (NM_001370981.1, NM_001370982.1).
Identifiers: ClinVar variation 4813748 (VCV004813748.1).

ClinVar aggregate classification (germline): Likely pathogenic (1 of 4 stars; one submission).

Conditions:
Microcephalic primordial dwarfism, Alazami type. Also called: FACIAL DYSMORPHISM, INTELLECTUAL DISABILITY, AND PRIMORDIAL DWARFISM; Alazami syndrome. Identifiers: Orphanet 319671, MedGen C3554439, MONDO:0014031, OMIM 615071.

Submission:

Variantyx, Inc.
Classification: Likely pathogenic for Microcephalic primordial dwarfism, Alazami type. Last evaluated: 2026-01-22. Review status: criteria provided, single submitter. Criteria: Variantyx Assertion Criteria 2022. Collection method: clinical testing. Allele origin: germline. Inheritance: Autosomal recessive inheritance. Affected: yes.
Comment: This is a frameshift variant in the LARP7 gene (OMIM: 612026). Pathogenic variants in this gene have been associated with autosomal recessive Alazami syndrome. This variant introduces a premature termination codon in exon 5 out of 13 and is expected to result in loss of function, which is a known disease mechanism for LARP7 in this disorder (PMID: 22865833) (PVS1). This variant is absent from control populations (PM2) and has not been reported in individuals with LARP7-related disorders in the databases available for review. Based on the current evidence, this variant is classified as likely pathogenic for autosomal recessive Alazami syndrome.

Literature cited by the submitters: PubMed 22865833.